The following is an entry in ClinVar:

NM_000836.4(GRIN2D):c.2041A>C (p.Met681Leu)

Gene: GRIN2D (glutamate ionotropic receptor NMDA type subunit 2D; plus strand). Cytogenetic location: 19q13.33.
Variant type: single nucleotide variant.
Coding change: c.2041A>C on transcript NM_000836.4 (MANE Select); coding-DNA position 2041, A replaced by C.
Protein change: p.Met681Leu; replaces methionine 681 with leucine.
Molecular consequence: missense variant.
Genome position (GRCh38, 1-based): chr19:48,419,764, A>C. VCF-style: chr19-48419764-A-C. GRCh37 (hg19) VCF-style: chr19-48923021-A-C.
Other names: short protein forms M681L.
Identifiers: ClinVar variation 521318 (VCV000521318.5), dbSNP rs1555893359, ClinGen allele CA406698343.

ClinVar aggregate classification (germline): Uncertain significance (1 of 4 stars; one submission).

Conditions:
Inborn genetic diseases. Identifiers: MedGen C0950123, MeSH D030342.

Submission:

Ambry Genetics
Classification: Uncertain significance for Inborn genetic diseases. Last evaluated: 2020-08-20. Review status: criteria provided, single submitter. Criteria: Ambry Variant Classification Scheme 2023. Collection method: clinical testing. Allele origin: germline.
Comment: The alteration results in an amino acid change:_x000D_ _x000D_ The c.2041A>C (p.M681L) alteration is located in exon 9 (coding exon 8) of the GRIN2D gene. This alteration results from a A to C substitution at nucleotide position 2041, causing the methionine (M) at amino acid position 681 to be replaced by a leucine (L). The alteration is not observed in population databases:_x000D_ _x000D_ Based on data from the Genome Aggregation Database (gnomAD), the GRIN2D c.2041A>C alteration was not observed, with coverage at this position. An alteration at the same codon has been observed in affected individuals:_x000D_ _x000D_ An alteration at the same codon with a different amino acid substitution, c.2043G>A (p.M681I), was reported de novo in a patient with developmental delay, epilepsy, autistic features, and a movement disorder (Tsuchida, 2018) The altered amino acid is conserved throughout evolution:_x000D_ _x000D_ The p.M681 amino acid is conserved in available vertebrate species. The amino acid is located in a functionally important protein domain:_x000D_ _x000D_ The p.M681 amino acid is located in the M3 transmembrane domain of GluN2D. The M3 segment of each subunit of the tetrameric receptor plays a critical role in channel gating. The p.M681 amino acid residue lies immediately adjacent to the highly conserved SYTANLAAF motif (amino acids 672-680), which is a critical determinant of channel gating in glutamate receptors (Yuan, 2005). Several alterations within the M3 &lsquo;SYTANLAAF&rsquo; motif in multiple glutamate receptor subunits have been shown to lead to constitutively open channels and/or cause neurodegeneration in rodents (Zuo, 1997; Kashiwagi, 2002; Sobolevsky, 2007; Chang, 2008). Structural modeling of the p.M681L variant performed in house at Ambry Genetics was inconclusive; no clear steric effects are predicted to be introduced from a methionine to leucine change at this position. The alteration is predicted tolerated by in silico modeling:_x000D_ _x000D_ The p.M681L alteration is predicted to be tolerated by in silico analysis. Based on insufficient or conflicting evidence, the clinical significance of this alteration remains unclear.

Literature cited by the submitters: PubMed 9285588; PubMed 11854433; PubMed 15970596; PubMed 17504910; PubMed 18272676; PubMed 30280376.